The following is an entry in ClinVar:

ClinVar aggregate classification (germline): Uncertain significance (1 of 4 stars; one submission).

gnomAD v4.1: 2 of 1,574,782 alleles (0.00013%); highest among the groups gnomAD compares: African/African-American, 0.0014%; no homozygotes.

Submission:

Women's Health and Genetics/Laboratory Corporation of America, LabCorp
Classification: Uncertain significance. Last evaluated: 2024-10-16. Review status: criteria provided, single submitter. Criteria: LabCorp Variant Classification Summary - May 2015. Collection method: clinical testing. Allele origin: germline.
Comment: Variant summary: BICRA c.3707C>T (p.Thr1236Ile) results in a non-conservative amino acid change in the encoded protein sequence. Two of three in-silico tools predict a benign effect of the variant on protein function. The variant was absent in 204430 control chromosomes. The available data on variant occurrences in the general population are insufficient to allow any conclusion about variant significance. To our knowledge, no occurrence of c.3707C>T in individuals affected with Coffin-Siris Syndrome 12 and no experimental evidence demonstrating its impact on protein function have been reported. No submitters have cited clinical-significance assessments for this variant to ClinVar. Based on the evidence outlined above, the variant was classified as uncertain significance.

NM_001394372.1(BICRA):c.3707C>T (p.Thr1236Ile)

Gene: BICRA (BRD4 interacting chromatin remodeling complex associated protein; plus strand). Cytogenetic location: 19q13.33.
Variant type: single nucleotide variant.
Coding change: c.3707C>T on transcript NM_001394372.1 (MANE Select); coding-DNA position 3707, C replaced by T.
Protein change: p.Thr1236Ile; replaces threonine 1236 with isoleucine.
Molecular consequence: missense variant.
Genome position (GRCh38, 1-based): chr19:47,701,439, C>T. VCF-style: chr19-47701439-C-T. GRCh37 (hg19) VCF-style: chr19-48204696-C-T.
Other names: c.3707C>T, p.Thr1236Ile (NM_015711.3); short protein forms T1236I.
Identifiers: ClinVar variation 3385278 (VCV003385278.1).
Genomic context (GRCh38, chr19:47,701,439, plus strand): 5'-CCGAGGGTCATCGGCTTCCCGGCCACGGCCCCCTGTCGTCTTCAGCTCCCGGGGCCTCCA[C>T]CCAGCCCCCTCCACACCTGCCCACCAAGCTTGTGATCCGGCACGGCGGGGCAGGCGGCTC-3'
Protein context (NP_001381301.1, residues 1226-1246): PLSSSAPGAS[Thr1236Ile]QPPPHLPTKL